The following is an entry in ClinVar:

ClinVar aggregate classification (germline): Pathogenic (1 of 4 stars; one submission).

Submission:

GeneDx
Classification: Pathogenic. Last evaluated: 2016-05-04. Review status: criteria provided, single submitter. Criteria: GeneDx Variant Classification (06012015). Collection method: clinical testing. Allele origin: germline. Affected: yes.
Comment: The c.1886-1 G>A splice site variant in the AR gene destroys the canonical splice acceptor site in intron 3. It is predicted to cause abnormal gene splicing, either leading to an abnormal message that is subject to nonsense-mediated mRNA decay, or to an abnormal protein product if the message is used for protein translation. The c.1886-1 G>A variant was not observed in approximately 6500 individuals of European and African American ancestry in the NHLBI Exome Sequencing Project, indicating it is not a common benign variant in these populations. A different nucleotide change at the same position (c.1886-1 G>T) has been reported in the Human Gene Mutation Database in association with androgen insensitivity syndrome (AIS) (Stenson et al., 2014), supporting the functional importance of this region of the protein. Given the available evidence, we interpret c.1886-1 G>A as a pathogenic variant.

NM_000044.6(AR):c.1886-1G>A

Gene: AR (androgen receptor; plus strand). Cytogenetic location: Xq12.
Variant type: single nucleotide variant.
Coding change: c.1886-1G>A on transcript NM_000044.6 (MANE Select); the canonical splice acceptor site of the intron before coding-DNA position 1886, G replaced by A.
Molecular consequence: splice acceptor variant.
Genome position (GRCh38, 1-based): chrX:67,711,401, G>A. VCF-style: chrX-67711401-G-A. GRCh37 (hg19) VCF-style: chrX-66931243-G-A.
Other names: c.290-1G>A (NM_001011645.3).
Identifiers: ClinVar variation 279685 (VCV000279685.2), dbSNP rs886041130, ClinGen allele CA10603622.